The following is an entry in ClinVar:

NM_030912.3(TRIM8):c.1376A>T (p.Gln459Leu)

Gene: TRIM8 (tripartite motif containing 8; plus strand). Cytogenetic location: 10q24.32.
Variant type: single nucleotide variant.
Coding change: c.1376A>T on transcript NM_030912.3 (MANE Select); coding-DNA position 1376, A replaced by T.
Protein change: p.Gln459Leu; replaces glutamine 459 with leucine.
Molecular consequence: missense variant. On other transcripts: non-coding transcript variant (1).
Genome position (GRCh38, 1-based): chr10:102,657,074, A>T. VCF-style: chr10-102657074-A-T. GRCh37 (hg19) VCF-style: chr10-104416831-A-T.
Other names: c.1280A>T, p.Gln427Leu (NM_001345950.1); short protein forms Q427L, Q459L.
Identifiers: ClinVar variation 2994762 (VCV002994762.3), dbSNP rs776933883, ClinGen allele CA5668315.

ClinVar aggregate classification (germline): Uncertain significance (1 of 4 stars; one submission).

Allele frequency attached by ClinVar (database versions not stated): gnomAD exomes 0.00001; ExAC 0.00002.
gnomAD v4.1: 20 of 1,613,494 alleles (0.0012%); highest among the groups gnomAD compares: Non-Finnish European, 0.0016%; no homozygotes.

Submission:

Labcorp Genetics (formerly Invitae), Labcorp
Classification: Uncertain significance. Last evaluated: 2023-11-06. Review status: criteria provided, single submitter. Criteria: Invitae Variant Classification Sherloc (09022015). Collection method: clinical testing. Allele origin: germline.
Comment: This sequence change replaces glutamine, which is neutral and polar, with leucine, which is neutral and non-polar, at codon 459 of the TRIM8 protein (p.Gln459Leu). This variant is present in population databases (rs776933883, gnomAD 0.002%). This variant has not been reported in the literature in individuals affected with TRIM8-related conditions. An algorithm developed to predict the effect of missense changes on protein structure and function (PolyPhen-2) suggests that this variant is likely to be disruptive. In summary, the available evidence is currently insufficient to determine the role of this variant in disease. Therefore, it has been classified as a Variant of Uncertain Significance.